The following is an entry in ClinVar:

ClinVar aggregate classification (germline): Likely benign. Review status: criteria provided, multiple submitters, no conflicts (2 of 4 stars). 3 submissions from 3 submitters: Likely benign (3). Last evaluated 2025-01-13.

Conditions:
Von Hippel-Lindau syndrome (VHLS). Also called: Von Hippel-Lindau; von Hippel–Lindau syndrome; VHL syndrome. Identifiers: Orphanet 892, MedGen C0019562, MONDO:0008667, OMIM 193300. Disease mechanism: loss of function.
Chuvash polycythemia. Also called: POLYCYTHEMIA, VHL-DEPENDENT. Identifiers: Orphanet 238557, MedGen C1837915, MONDO:0009892, OMIM 263400.
Hereditary cancer-predisposing syndrome. Also called: Tumor predisposition; Hereditary neoplastic syndrome; Neoplastic Syndromes, Hereditary; Hereditary Cancer Syndrome. Identifiers: Orphanet 140162, MedGen C0027672, MeSH D009386, MONDO:0015356.

gnomAD v4.1: 3 of 1,603,308 alleles (0.00019%); highest among the groups gnomAD compares: South Asian, 0.0011%; no homozygotes.

Submissions (3):

Labcorp Genetics (formerly Invitae), Labcorp
Classification: Likely benign for Von Hippel-Lindau syndrome; Chuvash polycythemia. Last evaluated: 2025-01-13. Review status: criteria provided, single submitter. Criteria: Invitae Variant Classification Sherloc (09022015). Collection method: clinical testing. Allele origin: germline.

All of Us Research Program, National Institutes of Health
Classification: Likely benign for Von Hippel-Lindau syndrome. Last evaluated: 2023-03-07. Review status: criteria provided, single submitter. Criteria: ACMG Guidelines, 2015. Collection method: clinical testing. Allele origin: germline. Inheritance: Autosomal dominant inheritance. Observed: 2 variant alleles, 2 heterozygotes.
Comment: This study involves interpretation of variants in research participants for the purpose of population health screening. Participant phenotype was not available at the time of variant classification. Additional details can be found in publication PMID: 35346344, PMCID: PMC8962531

Ambry Genetics
Classification: Likely benign for Hereditary cancer-predisposing syndrome. Last evaluated: 2021-01-25. Review status: criteria provided, single submitter. Criteria: Ambry Variant Classification Scheme 2023. Collection method: clinical testing. Allele origin: germline.

NM_000551.4(VHL):c.258C>T (p.Pro86=)

Gene: VHL (von Hippel-Lindau tumor suppressor; plus strand). Cytogenetic location: 3p25.3.
Variant type: single nucleotide variant.
Coding change: c.258C>T on transcript NM_000551.4 (MANE Select); coding-DNA position 258, C replaced by T.
Protein change: p.Pro86=; no amino-acid change (proline 86 retained).
Molecular consequence: synonymous variant.
Genome position (GRCh38, 1-based): chr3:10,142,105, C>T. VCF-style: chr3-10142105-C-T. GRCh37 (hg19) VCF-style: chr3-10183789-C-T.
Other names: c.258C>T, p.Pro86= (NM_001354723.2, NM_198156.3).
Identifiers: ClinVar variation 704061 (VCV000704061.14), dbSNP rs781063331, ClinGen allele CA040059.
Genomic context (GRCh38, chr3:10,142,105, plus strand): 5'-GAACTCGCGCGAGCCCTCCCAGGTCATCTTCTGCAATCGCAGTCCGCGCGTCGTGCTGCC[C>T]GTATGGCTCAACTTCGACGGCGAGCCGCAGCCCTACCCAACGCTGCCGCCTGGCACGGGC-3'
Protein context (NP_000542.1, residues 76-96): FCNRSPRVVL[Pro86=]VWLNFDGEPQ